The following is an entry in ClinVar:

ClinVar aggregate classification (germline): Uncertain significance (1 of 4 stars; one submission).

Conditions:
Koolen-de Vries syndrome (KDVS). Identifiers: Orphanet 96169, MedGen C1864871, MONDO:0012496, OMIM 610443.

Allele frequency attached by ClinVar (database versions not stated): gnomAD exomes below 0.00001.

Submission:

Labcorp Genetics (formerly Invitae), Labcorp
Classification: Uncertain significance for Koolen-de Vries syndrome. Last evaluated: 2016-10-30. Review status: criteria provided, single submitter. Criteria: Invitae Variant Classification Sherloc (09022015). Collection method: clinical testing. Allele origin: germline.
Comment: In summary, this variant is a novel missense change that is not predicted to affect protein function. There is no indication that it causes disease, but the available evidence is currently insufficient to prove that conclusively. Therefore, it has been classified as a Variant of Uncertain Significance. Algorithms developed to predict the effect of missense changes on protein structure and function (SIFT, PolyPhen-2, Align-GVGD) all suggest that this variant is likely to be tolerated, but these predictions have not been confirmed by published functional studies. This variant is not present in population databases (ExAC no frequency) and has not been reported in the literature in individuals with a KANSL1-related disease. This sequence change replaces asparagine with threonine at codon 39 of the KANSL1 protein (p.Asn39Thr). The asparagine residue is highly conserved and there is a small physicochemical difference between asparagine and threonine.

NM_015443.4(KANSL1):c.116A>C (p.Asn39Thr)

Gene: KANSL1 (KAT8 regulatory NSL complex subunit 1). Cytogenetic location: 17q21.31.
Variant type: single nucleotide variant.
Coding change: c.116A>C on transcript NM_015443.4 (MANE Select); coding-DNA position 116, A replaced by C.
Protein change: p.Asn39Thr; replaces asparagine 39 with threonine.
Molecular consequence: missense variant.
Genome position (GRCh38, 1-based): chr17:46,172,028, T>G on the plus strand (A>C on the coding strand, the complement: KANSL1 is on the minus strand). VCF-style: chr17-46172028-T-G. GRCh37 (hg19) VCF-style: chr17-44249394-T-G.
Other names: c.116A>C, p.Asn39Thr (NM_001193465.2, NM_001193466.2, NM_001379198.1); short protein forms N39T.
Identifiers: ClinVar variation 408958 (VCV000408958.8), dbSNP rs1060502199, ClinGen allele CA16615730.